The following is an entry in ClinVar:

ClinVar aggregate classification (germline): Uncertain significance. Review status: criteria provided, multiple submitters, no conflicts (2 of 4 stars). 2 submissions from 2 submitters: Uncertain significance (2). Last evaluated 2023-04-19.

Conditions:
Familial temporal lobe epilepsy 7. Identifiers: Orphanet 101046, MedGen C4225327, MONDO:0014639, OMIM 616436.
Norman-Roberts syndrome (LIS2). Also called: Lissencephaly 2 (Norman-Roberts type). Identifiers: Orphanet 89844, MedGen C0796089, MONDO:0009760, OMIM 257320.

Submissions (2):

GeneDx
Classification: Uncertain significance. Last evaluated: 2023-04-19. Review status: criteria provided, single submitter. Criteria: GeneDx Variant Classification Process June 2021. Collection method: clinical testing. Allele origin: germline. Affected: yes.
Comment: Not observed at significant frequency in large population cohorts (gnomAD); In silico analysis supports that this missense variant does not alter protein structure/function; Has not been previously published as pathogenic or benign to our knowledge

Labcorp Genetics (formerly Invitae), Labcorp
Classification: Uncertain significance for Familial temporal lobe epilepsy 7; Norman-Roberts syndrome. Last evaluated: 2019-03-25. Review status: criteria provided, single submitter. Criteria: Invitae Variant Classification Sherloc (09022015). Collection method: clinical testing. Allele origin: germline.
Comment: This sequence change replaces asparagine with lysine at codon 2201 of the RELN protein (p.Asn2201Lys). The asparagine residue is moderately conserved and there is a moderate physicochemical difference between asparagine and lysine. This variant is not present in population databases (ExAC no frequency). This variant has not been reported in the literature in individuals with RELN-related conditions. Algorithms developed to predict the effect of missense changes on protein structure and function are either unavailable or do not agree on the potential impact of this missense change (SIFT: "Deleterious"; PolyPhen-2: "Probably Damaging"; Align-GVGD: "Class C0"). In summary, the available evidence is currently insufficient to determine the role of this variant in disease. Therefore, it has been classified as a Variant of Uncertain Significance.

NM_005045.4(RELN):c.6603C>A (p.Asn2201Lys)

Gene: RELN (reelin; minus strand). Cytogenetic location: 7q22.1.
Variant type: single nucleotide variant.
Coding change: c.6603C>A on transcript NM_005045.4 (MANE Select); coding-DNA position 6603, C replaced by A.
Protein change: p.Asn2201Lys; replaces asparagine 2201 with lysine.
Molecular consequence: missense variant.
Genome position (GRCh38, 1-based): chr7:103,542,799, G>T on the plus strand (C>A on the coding strand, the complement: RELN is on the minus strand). VCF-style: chr7-103542799-G-T. GRCh37 (hg19) VCF-style: chr7-103183246-G-T.
Other names: c.6603C>A, p.Asn2201Lys (NM_173054.3); short protein forms N2201K.
Identifiers: ClinVar variation 843087 (VCV000843087.10), dbSNP rs1830202355, ClinGen allele CA368770392.
Genomic context (GRCh38, chr7:103,542,799, plus strand): 5'-TGATAAATCCAGGTCTCGTGTCATCAACATGCGCAAGCCATCTTCATTGAAAAAGAGGTT[G>T]TTTCCACTAGAAAGGATTCCACACTTTCGAGATGGTTTCCCACCACTCATTAATAAGAAT-3'
Protein context (NP_005036.2, residues 2191-2211): SRKCGILSSG[Asn2201Lys]NLFFNEDGLR